The following is an entry in ClinVar:

ClinVar aggregate classification (germline): Conflicting classifications of pathogenicity. Review status: criteria provided, conflicting classifications (1 of 4 stars). 4 submissions from 4 submitters: Uncertain significance (3); Likely benign (1). Last evaluated 2024-08-06.

Conditions:
Cardiovascular phenotype. Identifiers: MedGen CN230736.
Alstrom syndrome (ALMS). Identifiers: Orphanet 64, MedGen C0268425, MONDO:0008763, OMIM 203800.

Allele frequency attached by ClinVar (database versions not stated): ExAC 0.00001; gnomAD exomes 0.00001 and 0.00003; gnomAD 0.00002; TOPMed 0.00002.
gnomAD v4.1: 50 of 1,610,018 alleles (0.0031%); highest among the groups gnomAD compares: Non-Finnish European, 0.004%; no homozygotes.

Submissions (4):

Ambry Genetics
Classification: Likely benign for Cardiovascular phenotype. Last evaluated: 2024-08-06. Review status: criteria provided, single submitter. Criteria: Ambry Variant Classification Scheme 2023. Collection method: clinical testing. Allele origin: germline.

GeneDx
Classification: Uncertain significance. Last evaluated: 2023-05-01. Review status: criteria provided, single submitter. Criteria: GeneDx Variant Classification Process June 2021. Collection method: clinical testing. Allele origin: germline. Affected: yes.
Comment: Not observed at significant frequency in large population cohorts (gnomAD); In silico analysis supports that this missense variant does not alter protein structure/function; Has not been previously published as pathogenic or benign to our knowledge

Labcorp Genetics (formerly Invitae), Labcorp
Classification: Uncertain significance for Alstrom syndrome. Last evaluated: 2022-05-05. Review status: criteria provided, single submitter. Criteria: Invitae Variant Classification Sherloc (09022015). Collection method: clinical testing. Allele origin: germline.
Comment: This sequence change replaces serine, which is neutral and polar, with glycine, which is neutral and non-polar, at codon 386 of the ALMS1 protein (p.Ser386Gly). This variant is present in population databases (rs761174114, gnomAD 0.002%). This variant has not been reported in the literature in individuals affected with ALMS1-related conditions. ClinVar contains an entry for this variant (Variation ID: 1329700). Experimental studies and prediction algorithms are not available or were not evaluated, and the functional significance of this variant is currently unknown. In summary, the available evidence is currently insufficient to determine the role of this variant in disease. Therefore, it has been classified as a Variant of Uncertain Significance.

Fulgent Genetics
Classification: Uncertain significance for Alstrom syndrome. Last evaluated: 2021-12-08. Review status: criteria provided, single submitter. Criteria: ACMG Guidelines, 2015. Collection method: clinical testing. Allele origin: unknown.

NM_001378454.1(ALMS1):c.1153A>G (p.Ser385Gly)

Gene: ALMS1 (ALMS1 centrosome and basal body associated protein; plus strand). Cytogenetic location: 2p13.1.
Variant type: single nucleotide variant.
Coding change: c.1153A>G on transcript NM_001378454.1 (MANE Select); coding-DNA position 1153, A replaced by G.
Protein change: p.Ser385Gly; replaces serine 385 with glycine.
Molecular consequence: missense variant.
Genome position (GRCh38, 1-based): chr2:73,424,818, A>G. VCF-style: chr2-73424818-A-G. GRCh37 (hg19) VCF-style: chr2-73651946-A-G.
Other names: c.1156A>G, p.Ser386Gly (NM_015120.4); short protein forms S385G, S386G.
Identifiers: ClinVar variation 1329700 (VCV001329700.10), dbSNP rs761174114, ClinGen allele CA1713056.